The following is an entry in ClinVar:

ClinVar aggregate classification (germline): Uncertain significance (1 of 4 stars; one submission).

Conditions:
Cardiovascular phenotype. Identifiers: MedGen CN230736.

gnomAD v4.1: 13 of 1,543,424 alleles (0.00084%); highest among the groups gnomAD compares: South Asian, 0.0071%; no homozygotes.

Submission:

Ambry Genetics
Classification: Uncertain significance for Cardiovascular phenotype. Last evaluated: 2024-12-13. Review status: criteria provided, single submitter. Criteria: Ambry Variant Classification Scheme 2023. Collection method: clinical testing. Allele origin: germline.
Comment: The p.R750Q variant (also known as c.2249G>A), located in coding exon 1 of the ZNF469 gene, results from a G to A substitution at nucleotide position 2249. The arginine at codon 750 is replaced by glutamine, an amino acid with highly similar properties. This amino acid position is conserved. In addition, this alteration is predicted to be tolerated by in silico analysis. Based on the available evidence, the clinical significance of this variant remains unclear.

NM_001367624.2(ZNF469):c.2249G>A (p.Arg750Gln)

Gene: ZNF469 (zinc finger protein 469; plus strand). Cytogenetic location: 16q24.2.
Variant type: single nucleotide variant.
Coding change: c.2249G>A on transcript NM_001367624.2 (MANE Select); coding-DNA position 2249, G replaced by A.
Protein change: p.Arg750Gln; replaces arginine 750 with glutamine.
Molecular consequence: missense variant.
Genome position (GRCh38, 1-based): chr16:88,429,719, G>A. VCF-style: chr16-88429719-G-A. GRCh37 (hg19) VCF-style: chr16-88496127-G-A.
Other names: NM_001127464.1:c.2249G>A; short protein forms R750Q.
Identifiers: ClinVar variation 3821071 (VCV003821071.1).